The following is an entry in ClinVar:

ClinVar aggregate classification (germline): Uncertain significance (1 of 4 stars; one submission).

Submission:

Labcorp Genetics (formerly Invitae), Labcorp
Classification: Uncertain significance. Last evaluated: 2022-11-24. Review status: criteria provided, single submitter. Criteria: Invitae Variant Classification Sherloc (09022015). Collection method: clinical testing. Allele origin: germline.
Comment: In summary, the available evidence is currently insufficient to determine the role of this variant in disease. Therefore, it has been classified as a Variant of Uncertain Significance. Advanced modeling of protein sequence and biophysical properties (such as structural, functional, and spatial information, amino acid conservation, physicochemical variation, residue mobility, and thermodynamic stability) performed at Invitae indicates that this missense variant is not expected to disrupt COL7A1 protein function. This variant has not been reported in the literature in individuals affected with COL7A1-related conditions. This variant is not present in population databases (gnomAD no frequency). This sequence change replaces glutamic acid, which is acidic and polar, with glutamine, which is neutral and polar, at codon 1297 of the COL7A1 protein (p.Glu1297Gln).

NM_000094.4(COL7A1):c.3889G>C (p.Glu1297Gln)

Gene: COL7A1 (collagen type VII alpha 1 chain; minus strand). Cytogenetic location: 3p21.31.
Variant type: single nucleotide variant.
Coding change: c.3889G>C on transcript NM_000094.4 (MANE Select); coding-DNA position 3889, G replaced by C.
Protein change: p.Glu1297Gln; replaces glutamic acid 1297 with glutamine.
Molecular consequence: missense variant.
Genome position (GRCh38, 1-based): chr3:48,585,562, C>G on the plus strand (G>C on the coding strand, the complement: COL7A1 is on the minus strand). VCF-style: chr3-48585562-C-G. GRCh37 (hg19) VCF-style: chr3-48622995-C-G.
Other names: short protein forms E1297Q.
Identifiers: ClinVar variation 2816566 (VCV002816566.3), dbSNP rs149881350, ClinGen allele CA352700539.